The following is an entry in ClinVar:

ClinVar aggregate classification (germline): Uncertain significance (1 of 4 stars; one submission).

Allele frequency attached by ClinVar (database versions not stated): TOPMed 0.00001; gnomAD exomes 0.00002; ExAC 0.00001; gnomAD 0.00001.
gnomAD v4.1: 28 of 1,613,814 alleles (0.0017%); highest among the groups gnomAD compares: Non-Finnish European, 0.0024%; no homozygotes.

Submission:

Labcorp Genetics (formerly Invitae), Labcorp
Classification: Uncertain significance. Last evaluated: 2025-10-27. Review status: criteria provided, single submitter. Criteria: Invitae Variant Classification Sherloc (09022015). Collection method: clinical testing. Allele origin: germline.
Comment: This sequence change replaces asparagine, which is neutral and polar, with serine, which is neutral and polar, at codon 203 of the FLI1 protein (p.Asn203Ser). This variant is present in population databases (rs781142038, gnomAD 0.002%). This variant has not been reported in the literature in individuals affected with FLI1-related conditions. ClinVar contains an entry for this variant (Variation ID: 2785775). Invitae Evidence Modeling of protein sequence and biophysical properties (such as structural, functional, and spatial information, amino acid conservation, physicochemical variation, residue mobility, and thermodynamic stability) indicates that this missense variant is not expected to disrupt FLI1 protein function with a negative predictive value of 80%. In summary, the available evidence is currently insufficient to determine the role of this variant in disease. Therefore, it has been classified as a Variant of Uncertain Significance.

NM_002017.5(FLI1):c.608A>G (p.Asn203Ser)

Gene: FLI1 (Fli-1 proto-oncogene, ETS transcription factor; plus strand). Cytogenetic location: 11q24.3.
Variant type: single nucleotide variant.
Coding change: c.608A>G on transcript NM_002017.5 (MANE Select); coding-DNA position 608, A replaced by G.
Protein change: p.Asn203Ser; replaces asparagine 203 with serine.
Molecular consequence: missense variant.
Genome position (GRCh38, 1-based): chr11:128,781,976, A>G. VCF-style: chr11-128781976-A-G. GRCh37 (hg19) VCF-style: chr11-128651871-A-G.
Other names: c.509A>G, p.Asn170Ser (NM_001167681.3); c.410A>G, p.Asn137Ser (NM_001271010.2); c.29A>G, p.Asn10Ser (NM_001271012.2); short protein forms N137S, N10S, N170S, N203S.
Identifiers: ClinVar variation 2785775 (VCV002785775.3), dbSNP rs781142038, ClinGen allele CA6357171.
Genomic context (GRCh38, chr11:128,781,976, plus strand): 5'-AAGAACATTTTGGTTATAACCTGTTTATGTTTTGCCTCTCAGGTTCACTGCTGGCCTATA[A>G]TACAACCTCCCACACCGACCAATCCTCACGATTGAGTGTCAAAGAAGGTAAGTTTGTTCT-3'
Protein context (NP_002008.2, residues 193-213): YLRESSLLAY[Asn203Ser]TTSHTDQSSR